The following is an entry in ClinVar:

NM_006311.4(NCOR1):c.4505C>T (p.Thr1502Ile)

Gene: NCOR1 (nuclear receptor corepressor 1; minus strand). Cytogenetic location: 17p12.
Variant type: single nucleotide variant.
Coding change: c.4505C>T on transcript NM_006311.4 (MANE Select); coding-DNA position 4505, C replaced by T.
Protein change: p.Thr1502Ile; replaces threonine 1502 with isoleucine.
Molecular consequence: missense variant.
Genome position (GRCh38, 1-based): chr17:16,070,173, G>A on the plus strand (C>T on the coding strand, the complement: NCOR1 is on the minus strand). VCF-style: chr17-16070173-G-A. GRCh37 (hg19) VCF-style: chr17-15973487-G-A.
Other names: c.4553C>T, p.Thr1518Ile (NM_001190440.2); short protein forms T1502I, T1518I.
Identifiers: ClinVar variation 3031103 (VCV003031103.2), dbSNP rs2152721736, ClinGen allele CA398425168.

ClinVar aggregate classification (germline): Uncertain significance (0 of 4 stars; one submission).

Conditions:
NCOR1-related disorder. Also called: NCOR1-related condition.

Submission:

PreventionGenetics, part of Exact Sciences
Classification: Uncertain significance for NCOR1-related condition. Last evaluated: 2023-12-11. Review status: no assertion criteria provided. Collection method: clinical testing. Allele origin: germline.
Comment: The NCOR1 c.4505C>T variant is predicted to result in the amino acid substitution p.Thr1502Ile. To our knowledge, this variant has not been reported in the literature or in a large population database, indicating this variant is rare. At this time, the clinical significance of this variant is uncertain due to the absence of conclusive functional and genetic evidence.